The following is an entry in ClinVar:

NM_001005373.4(LRSAM1):c.1504-4G>A

Gene: LRSAM1 (leucine rich repeat and sterile alpha motif containing 1; plus strand). Cytogenetic location: 9q33.3.
Variant type: single nucleotide variant.
Coding change: c.1504-4G>A on transcript NM_001005373.4 (MANE Select); 4 bases into the intron before coding-DNA position 1504, G replaced by A.
Molecular consequence: intron variant.
Genome position (GRCh38, 1-based): chr9:127,492,798, G>A. VCF-style: chr9-127492798-G-A. GRCh37 (hg19) VCF-style: chr9-130255077-G-A.
Other names: c.1504-4G>A (NM_138361.5, NM_001384142.1, NM_001384143.1 and 1 more transcripts); c.1423-4G>A (NM_001190723.3); c.715-4G>A (NM_001384144.1).
Identifiers: ClinVar variation 1144278 (VCV001144278.10), dbSNP rs370872133, ClinGen allele CA5247036.
Genomic context (GRCh38, chr9:127,492,798, plus strand): 5'-GCCACTGCGGGACTCCTGCGCTGCCGCCAGCTCACGGTGGTGCGGGGTGTGGTCTTGTTC[G>A]CAGGAGATGATCTCGGAGCAGCGCTGGGCCCTCAGCTCCCTGCTCCAGCAGCTGCTCAAA-3'

ClinVar aggregate classification (germline): Likely benign. Review status: criteria provided, single submitter (1 of 4 stars). 2 submissions from 2 submitters: Likely benign (1). 1 of the submissions does not count toward it. Last evaluated 2025-12-29.

Conditions:
Charcot-Marie-Tooth disease axonal type 2P. Also called: CHARCOT-MARIE-TOOTH NEUROPATHY, TYPE 2P; Charcot-Marie-Tooth Neuropathy Type 2G; CHARCOT-MARIE-TOOTH DISEASE, AXONAL, TYPE 2G; CMT 2G. Identifiers: Orphanet 300319, Orphanet 99941, MedGen C3280797, MONDO:0013753, OMIM 614436.
LRSAM1-related disorder. Also called: LRSAM1-related condition.

Allele frequency attached by ClinVar (database versions not stated): TOPMed 0.00004; gnomAD 0.00005 and 0.00006; gnomAD exomes 0.00006; ExAC 0.00008; ESP Exome Variant Server 0.00008.
gnomAD v4.1: 42 of 1,613,288 alleles (0.0026%); highest among the groups gnomAD compares: Admixed American, 0.0083%; no homozygotes.

Submissions (2):

Labcorp Genetics (formerly Invitae), Labcorp
Classification: Likely benign for Charcot-Marie-Tooth disease axonal type 2P. Last evaluated: 2025-12-29. Review status: criteria provided, single submitter. Criteria: Invitae Variant Classification Sherloc (09022015). Collection method: clinical testing. Allele origin: germline.

PreventionGenetics, part of Exact Sciences
Classification: Likely benign for LRSAM1-related condition. Last evaluated: 2024-03-27. Review status: no assertion criteria provided. Collection method: clinical testing. Allele origin: germline. Not counted in ClinVar's aggregate classification.
Comment: This variant is classified as likely benign based on ACMG/AMP sequence variant interpretation guidelines (Richards et al. 2015 PMID: 25741868, with internal and published modifications).